The following is an entry in ClinVar:

NM_001267550.2(TTN):c.39255T>C (p.Pro13085=)

Gene: TTN (titin; minus strand). Cytogenetic location: 2q31.2.
Variant type: single nucleotide variant.
Coding change: c.39255T>C on transcript NM_001267550.2 (MANE Select); coding-DNA position 39255, T replaced by C.
Protein change: p.Pro13085=; no amino-acid change (proline 13085 retained).
Molecular consequence: synonymous variant. On other transcripts: intron variant (3).
Genome position (GRCh38, 1-based): chr2:178,652,136, A>G on the plus strand (T>C on the coding strand, the complement: TTN is on the minus strand). VCF-style: chr2-178652136-A-G. GRCh37 (hg19) VCF-style: chr2-179516863-A-G.
Other names: c.34734T>C, p.Pro11578= (NM_001256850.1); c.31953T>C, p.Pro10651= (NM_133378.4); c.13283-9819T>C (NM_003319.4); c.13859-9819T>C (NM_133437.4); c.13658-9819T>C (NM_133432.3).
Identifiers: ClinVar variation 512814 (VCV000512814.6), dbSNP rs573657954, ClinGen allele CA60968889.
Genomic context (GRCh38, chr2:178,652,136, plus strand): 5'-TTGAATAGTTTCATTATTACCTTCAGGGGGAGGACTTTCCGGTTTGGGAGGAATAGCTTC[A>G]GGCACCTTCTTTTCTGGGACAGCTACCTTTGGCACCTCTGGGACTTTAAAAGATATTATT-3'
Protein context (NP_001254479.2, residues 13075-13095): PKVAVPEKKV[Pro13085=]EAIPPKPESP

ClinVar aggregate classification (germline): Likely benign. Review status: criteria provided, multiple submitters, no conflicts (2 of 4 stars). 2 submissions from 2 submitters: Likely benign (2). Last evaluated 2023-10-30.

Conditions:
Autosomal recessive limb-girdle muscular dystrophy type 2J (LGMDR10). Also called: MUSCULAR DYSTROPHY, LIMB-GIRDLE, AUTOSOMAL RECESSIVE 10; Limb-girdle muscular dystrophy, type 2J. Identifiers: Orphanet 140922, MedGen C1837342, MONDO:0012127, OMIM 608807.
Dilated cardiomyopathy 1G (CMD1G). Identifiers: Orphanet 154, MedGen C1858763, MONDO:0011400, OMIM 604145.

Allele frequency attached by ClinVar (database versions not stated): gnomAD 0.00001; 1000 Genomes Project 30x 0.00016; 1000 Genomes Project 0.00020.
gnomAD v4.1: 1 of 1,612,492 alleles (0.000062%); highest among the groups gnomAD compares: African/African-American, 0.0013%; no homozygotes.

Submissions (2):

Labcorp Genetics (formerly Invitae), Labcorp
Classification: Likely benign for Dilated cardiomyopathy 1G; Autosomal recessive limb-girdle muscular dystrophy type 2J. Last evaluated: 2023-10-30. Review status: criteria provided, single submitter. Criteria: Invitae Variant Classification Sherloc (09022015). Collection method: clinical testing. Allele origin: germline.

GeneDx
Classification: Likely benign. Last evaluated: 2017-10-13. Review status: criteria provided, single submitter. Criteria: GeneDx Variant Classification (06012015). Collection method: clinical testing. Allele origin: germline. Affected: yes.
Comment: This variant is considered likely benign or benign based on one or more of the following criteria: it is a conservative change, it occurs at a poorly conserved position in the protein, it is predicted to be benign by multiple in silico algorithms, and/or has population frequency not consistent with disease.